The following is an entry in ClinVar:

ClinVar aggregate classification (germline): Conflicting classifications of pathogenicity. Review status: criteria provided, conflicting classifications (1 of 4 stars). 3 submissions from 3 submitters: Uncertain significance (1); Benign (1); Likely benign (1). Last evaluated 2025-12-15.

Conditions:
Hereditary cancer-predisposing syndrome. Also called: Tumor predisposition; Hereditary Cancer Syndrome; Hereditary neoplastic syndrome; Neoplastic Syndromes, Hereditary. Identifiers: Orphanet 140162, MedGen C0027672, MeSH D009386, MONDO:0015356.
Neurofibromatosis, type 2 (SWNV). Also called: SCHWANNOMATOSIS, VESTIBULAR; NF2-Related Schwannomatosis; BILATERAL ACOUSTIC NEUROFIBROMATOSIS. Identifiers: Orphanet 637, MedGen C0027832, MONDO:0007039, OMIM 101000. Disease mechanism: loss of function.

Allele frequency attached by ClinVar (database versions not stated): gnomAD 0.00001; gnomAD exomes 0.00001 and 0.00002; TOPMed 0.00001; ExAC 0.00003.
gnomAD v4.1: 9 of 1,612,300 alleles (0.00056%); highest among the groups gnomAD compares: East Asian, 0.011%; no homozygotes.

Submissions (3):

Labcorp Genetics (formerly Invitae), Labcorp
Classification: Likely benign for Neurofibromatosis, type 2. Last evaluated: 2025-12-15. Review status: criteria provided, single submitter. Criteria: Invitae Variant Classification Sherloc (09022015). Collection method: clinical testing. Allele origin: germline.

Color Diagnostics, LLC DBA Color Health
Classification: Uncertain significance for Neurofibromatosis, type 2. Last evaluated: 2024-08-12. Review status: criteria provided, single submitter. Criteria: ACMG Guidelines, 2015. Collection method: clinical testing. Allele origin: germline.
Comment: This synonymous variant is located in the NF2 gene. Splice prediction tools indicate that this variant may disrupt RNA splicing. To our knowledge, functional studies have not been reported for this variant. This variant has not been reported in individuals affected with NF2-related disorders in the literature. This variant has been identified in 6/245730 chromosomes in the general population by the Genome Aggregation Database (gnomAD). The available evidence is insufficient to determine the role of this variant in disease conclusively. Therefore, this variant is classified as a Variant of Uncertain Significance.

Ambry Genetics
Classification: Benign for Hereditary cancer-predisposing syndrome. Last evaluated: 2021-11-23. Review status: criteria provided, single submitter. Criteria: Ambry Variant Classification Scheme 2023. Collection method: clinical testing. Allele origin: germline.

NM_000268.4(NF2):c.1290G>A (p.Val430=)

Gene: NF2 (NF2, moesin-ezrin-radixin like (MERLIN) tumor suppressor; plus strand). Cytogenetic location: 22q12.2.
Variant type: single nucleotide variant.
Coding change: c.1290G>A on transcript NM_000268.4 (MANE Select); coding-DNA position 1290, G replaced by A.
Protein change: p.Val430=; no amino-acid change (valine 430 retained).
Molecular consequence: synonymous variant. On other transcripts: non-coding transcript variant (1), intron variant (1).
Genome position (GRCh38, 1-based): chr22:29,673,436, G>A. VCF-style: chr22-29673436-G-A. GRCh37 (hg19) VCF-style: chr22-30069425-G-A.
Other names: c.1290G>A, p.Val430= (NM_016418.5, NM_181825.3, NM_181832.3); c.1164G>A, p.Val388= (NM_181828.3); c.1167G>A, p.Val389= (NM_181829.3); c.1041G>A, p.Val347= (NM_181830.3, NM_181831.3); c.448-21316G>A (NM_181833.3).
Identifiers: ClinVar variation 417148 (VCV000417148.15), dbSNP rs756041768, ClinGen allele CA029425.